The following is an entry in ClinVar:

NM_000388.4(CASR):c.114T>G (p.Phe38Leu)

Gene: CASR (calcium sensing receptor; plus strand). Cytogenetic location: 3q21.1.
Variant type: single nucleotide variant.
Coding change: c.114T>G on transcript NM_000388.4 (MANE Select); coding-DNA position 114, T replaced by G.
Protein change: p.Phe38Leu; replaces phenylalanine 38 with leucine.
Molecular consequence: missense variant.
Genome position (GRCh38, 1-based): chr3:122,254,303, T>G. VCF-style: chr3-122254303-T-G. GRCh37 (hg19) VCF-style: chr3-121973150-T-G.
Other names: c.114T>G, p.Phe38Leu (NM_001178065.2); short protein forms F38L.
Identifiers: ClinVar variation 4789926 (VCV004789926.1).

ClinVar aggregate classification (germline): Uncertain significance (1 of 4 stars; one submission).

Conditions:
Familial hypocalciuric hypercalcemia (FHH). Also called: Familial benign hypercalcemia. Identifiers: Orphanet 405, MedGen C1809471, MONDO:0018458.
Autosomal dominant hypocalcemia 1 (HYPOC1). Also called: HYPOCALCEMIA, FAMILIAL. Identifiers: MedGen C3715128, MONDO:0011013, OMIM 601198.

Submission:

Labcorp Genetics (formerly Invitae), Labcorp
Classification: Uncertain significance for Familial hypocalciuric hypercalcemia; Autosomal dominant hypocalcemia 1. Last evaluated: 2025-02-25. Review status: criteria provided, single submitter. Criteria: Invitae Variant Classification Sherloc (09022015). Collection method: clinical testing. Allele origin: germline.
Comment: This sequence change replaces phenylalanine, which is neutral and non-polar, with leucine, which is neutral and non-polar, at codon 38 of the CASR protein (p.Phe38Leu). This variant is not present in population databases (gnomAD no frequency). This variant has not been reported in the literature in individuals affected with CASR-related conditions. An algorithm developed to predict the effect of missense changes on protein structure and function (PolyPhen-2) suggests that this variant is likely to be disruptive. In summary, the available evidence is currently insufficient to determine the role of this variant in disease. Therefore, it has been classified as a Variant of Uncertain Significance.